The following is an entry in ClinVar:

NM_005629.4(SLC6A8):c.1141G>C (p.Gly381Arg)

Gene: SLC6A8 (solute carrier family 6 member 8; plus strand). Cytogenetic location: Xq28.
Variant type: single nucleotide variant.
Coding change: c.1141G>C on transcript NM_005629.4 (MANE Select); coding-DNA position 1141, G replaced by C.
Protein change: p.Gly381Arg; replaces glycine 381 with arginine.
Molecular consequence: missense variant.
Genome position (GRCh38, 1-based): chrX:153,693,586, G>C. VCF-style: chrX-153693586-G-C. GRCh37 (hg19) VCF-style: chrX-152959041-G-C.
Other names: NM_005629.4(SLC6A8):c.1141G>C; p.Gly381Arg; c.1111G>C, p.Gly371Arg (NM_001142805.2); c.796G>C, p.Gly266Arg (NM_001142806.1); short protein forms G381R, G266R, G371R.
Identifiers: ClinVar variation 11697 (VCV000011697.3), dbSNP rs122453114, ClinGen allele CA256011.

ClinVar aggregate classification (germline): Pathogenic. Review status: reviewed by expert panel (3 of 4 stars). 2 submissions from 2 submitters: Pathogenic (1). 1 of the submissions does not count toward it. Last evaluated 2024-03-28.

Conditions:
Creatine transporter deficiency (CCDS1). Also called: SLC6A8-Related Creatine Transporter Deficiency; Creatine Transporter (CRTR) Deficiency; CREATINE TRANSPORTER DEFECT; CEREBRAL CREATINE DEFICIENCY SYNDROME 1; Mental retardation , X-linked with seizures, short stature and midface hypoplasia; Mental retardation , X-linked, with creatine transport deficiency. Identifiers: Orphanet 52503, MedGen C1845862, MONDO:0010305, OMIM 300352.

Submissions (2):

ClinGen Cerebral Creatine Deficiency Syndromes Variant Curation Expert Panel, ClinGen
Classification: Pathogenic for Creatine transporter deficiency. Last evaluated: 2024-03-28. Review status: reviewed by expert panel. Criteria: ClinGen_CCDS_ACMG_Specifications_SLC6A8_v1.1. Collection method: curation. Allele origin: germline. Inheritance: X-linked inheritance.
Comment: The NM_005629.4:c.1141G>C variant in SLC6A8 is a missense variant that is predicted to lead to the substitution of a glycine for an arginine at amino acid 381 (p.Gly381Arg). This variant has been previously reported in one family with 5 affected males with elevated urinary creatine/creatinine and deficient creatine uptake in cultured fibroblasts (PP4_Strong) and segregated with disease in this family (PP1_Strong) (PMID: 11898126). This variant was reported to result in reduced (<10% of wild-type) creatine transport activity in SLC6A8 deficient fibroblasts (PMID: 22281021) (PS3_Supporting). In addition, the variant was shown to result in altered splicing via RT-PCR analysis (PMID: 11898126). The variant is absent in gnomAD v2.1.1. (PM2_Supporting). The computational predictor REVEL gives a score of 0.923 which is above the threshold of 0.75, evidence that correlates with impact to SLC6A8 function (PP3). There is a ClinVar entry for this variant (Variation ID 11697, zero-star review status), with one submitter classifying the variant as pathogenic. In summary, this variant meets criteria to be classified as pathogenic for creatine transporter deficiency. SLC6A8-specific criteria applied, as specified by the ClinGen CCDS VCEP (Specifications Version 1.1.0): PS3_Supporting, PM2_Supporting, PP3, PP1_Strong, PP4_Strong. (Classification approved by the ClinGen Cerebral Creatine Deficiency Syndromes Variant Curation Expert Panel on March 28, 2024).

OMIM
Classification: Pathogenic for CEREBRAL CREATINE DEFICIENCY SYNDROME 1. Last evaluated: 2002-05-01. Review status: no assertion criteria provided. Collection method: literature only. Allele origin: germline. Not counted in ClinVar's aggregate classification.

Literature cited by the submitters: PubMed 11898126 (cited by OMIM).